The following is an entry in ClinVar:

NM_004656.4(BAP1):c.1959G>A (p.Glu653=)

Gene: BAP1 (BRCA1 associated deubiquitinase 1; minus strand). Cytogenetic location: 3p21.1.
Variant type: single nucleotide variant.
Coding change: c.1959G>A on transcript NM_004656.4 (MANE Select); coding-DNA position 1959, G replaced by A.
Protein change: p.Glu653=; no amino-acid change (glutamic acid 653 retained).
Molecular consequence: synonymous variant.
Genome position (GRCh38, 1-based): chr3:52,402,803, C>T on the plus strand (G>A on the coding strand, the complement: BAP1 is on the minus strand). VCF-style: chr3-52402803-C-T. GRCh37 (hg19) VCF-style: chr3-52436819-C-T.
Identifiers: ClinVar variation 490826 (VCV000490826.17), dbSNP rs751219874, ClinGen allele CA2436652.

ClinVar aggregate classification (germline): Benign/Likely benign. Review status: criteria provided, multiple submitters, no conflicts (2 of 4 stars). 5 submissions from 5 submitters: Benign (1); Likely benign (4). Last evaluated 2026-01-19.

Conditions:
BAP1-related tumor predisposition syndrome (TPDS1). Also called: Tumor susceptibility linked to germline BAP1 mutations; BAP1 tumor predisposition syndrome; COMMON Syndrome; TUMOR PREDISPOSITION SYNDROME 1. Identifiers: Orphanet 289539, MedGen C3280492, MONDO:0013692, OMIM 614327.
Hereditary cancer-predisposing syndrome. Also called: Hereditary Cancer Syndrome; Neoplastic Syndromes, Hereditary; Tumor predisposition; Hereditary neoplastic syndrome. Identifiers: Orphanet 140162, MedGen C0027672, MeSH D009386, MONDO:0015356.

Allele frequency attached by ClinVar (database versions not stated): gnomAD 0.00001; gnomAD exomes 0.00001 and 0.00002; TOPMed 0.00001; ExAC 0.00002.
gnomAD v4.1: 11 of 1,614,222 alleles (0.00068%); highest among the groups gnomAD compares: Middle Eastern, 0.066%; no homozygotes.

Submissions (5):

Labcorp Genetics (formerly Invitae), Labcorp
Classification: Likely benign for BAP1-related tumor predisposition syndrome. Last evaluated: 2026-01-19. Review status: criteria provided, single submitter. Criteria: Invitae Variant Classification Sherloc (09022015). Collection method: clinical testing. Allele origin: germline.

Quest Diagnostics Nichols Institute San Juan Capistrano
Classification: Likely benign. Last evaluated: 2025-10-14. Review status: criteria provided, single submitter. Criteria: Quest Diagnostics criteria. Collection method: clinical testing. Allele origin: unknown.

Myriad Genetics, Inc.
Classification: Benign for BAP1-related tumor predisposition syndrome. Last evaluated: 2024-07-17. Review status: criteria provided, single submitter. Criteria: Myriad Autosomal Dominant, Autosomal Recessive and X-Linked Classification Criteria (2023). Collection method: clinical testing. Allele origin: unknown.
Comment: This variant is considered benign. This variant is a silent/synonymous amino acid change and it is not expected to impact splicing.

Ambry Genetics
Classification: Likely benign for Hereditary cancer-predisposing syndrome. Last evaluated: 2022-08-24. Review status: criteria provided, single submitter. Criteria: Ambry Variant Classification Scheme 2023. Collection method: clinical testing. Allele origin: germline.

Color Diagnostics, LLC DBA Color Health
Classification: Likely benign for Hereditary cancer-predisposing syndrome. Last evaluated: 2017-02-10. Review status: criteria provided, single submitter. Criteria: ACMG Guidelines, 2015. Collection method: clinical testing. Allele origin: germline.